The following is an entry in ClinVar:

NM_018718.3(CEP41):c.1096C>T (p.His366Tyr)

Gene: CEP41 (centrosomal protein 41; minus strand). Cytogenetic location: 7q32.2.
Variant type: single nucleotide variant.
Coding change: c.1096C>T on transcript NM_018718.3 (MANE Select); coding-DNA position 1096, C replaced by T.
Protein change: p.His366Tyr; replaces histidine 366 with tyrosine.
Molecular consequence: missense variant. On other transcripts: non-coding transcript variant (1).
Genome position (GRCh38, 1-based): chr7:130,398,917, G>A on the plus strand (C>T on the coding strand, the complement: CEP41 is on the minus strand). VCF-style: chr7-130398917-G-A. GRCh37 (hg19) VCF-style: chr7-130038758-G-A.
Other names: c.880C>T, p.His294Tyr (NM_001257158.2); c.832C>T, p.His278Tyr (NM_001257159.2); short protein forms H278Y, H294Y, H366Y.
Identifiers: ClinVar variation 3703428 (VCV003703428.2).

ClinVar aggregate classification (germline): Uncertain significance (1 of 4 stars; one submission).

Conditions:
Joubert syndrome 15 (JBTS15). Identifiers: Orphanet 475, MedGen C3280897, MONDO:0013763, OMIM 614464.

gnomAD v4.1: 33 of 1,614,130 alleles (0.002%); highest among the groups gnomAD compares: Non-Finnish European, 0.0027%; no homozygotes.

Submission:

Labcorp Genetics (formerly Invitae), Labcorp
Classification: Uncertain significance for Joubert syndrome 15. Last evaluated: 2024-09-24. Review status: criteria provided, single submitter. Criteria: Invitae Variant Classification Sherloc (09022015). Collection method: clinical testing. Allele origin: germline.
Comment: This sequence change replaces histidine, which is basic and polar, with tyrosine, which is neutral and polar, at codon 366 of the CEP41 protein (p.His366Tyr). This variant is present in population databases (rs782713689, gnomAD 0.01%). This variant has not been reported in the literature in individuals affected with CEP41-related conditions. Invitae Evidence Modeling of protein sequence and biophysical properties (such as structural, functional, and spatial information, amino acid conservation, physicochemical variation, residue mobility, and thermodynamic stability) indicates that this missense variant is not expected to disrupt CEP41 protein function with a negative predictive value of 80%. In summary, the available evidence is currently insufficient to determine the role of this variant in disease. Therefore, it has been classified as a Variant of Uncertain Significance.